The following is an entry in ClinVar:

NM_004608.4(TBX6):c.133A>G (p.Lys45Glu)

Gene: TBX6 (T-box transcription factor 6; minus strand). Cytogenetic location: 16p11.2.
Variant type: single nucleotide variant.
Coding change: c.133A>G on transcript NM_004608.4 (MANE Select); coding-DNA position 133, A replaced by G.
Protein change: p.Lys45Glu; replaces lysine 45 with glutamic acid.
Molecular consequence: missense variant.
Genome position (GRCh38, 1-based): chr16:30,090,978, T>C on the plus strand (A>G on the coding strand, the complement: TBX6 is on the minus strand). VCF-style: chr16-30090978-T-C. GRCh37 (hg19) VCF-style: chr16-30102299-T-C.
Other names: short protein forms K45E.
Identifiers: ClinVar variation 3324890 (VCV003324890.3).

ClinVar aggregate classification (germline): Uncertain significance. Review status: criteria provided, multiple submitters, no conflicts (2 of 4 stars). 2 submissions from 2 submitters: Uncertain significance (2). Last evaluated 2024-04-19.

Conditions:
Inborn genetic diseases. Identifiers: MedGen C0950123, MeSH D030342.

gnomAD v4.1: 7 of 1,613,330 alleles (0.00043%); highest among the groups gnomAD compares: Admixed American, 0.012%; no homozygotes.

Submissions (2):

Ambry Genetics
Classification: Uncertain significance for Inborn genetic diseases. Last evaluated: 2024-04-19. Review status: criteria provided, single submitter. Criteria: Ambry Variant Classification Scheme 2023. Collection method: clinical testing. Allele origin: germline.

Labcorp Genetics (formerly Invitae), Labcorp
Classification: Uncertain significance. Last evaluated: 2024-04-18. Review status: criteria provided, single submitter. Criteria: Invitae Variant Classification Sherloc (09022015). Collection method: clinical testing. Allele origin: germline.
Comment: This sequence change replaces lysine, which is basic and polar, with glutamic acid, which is acidic and polar, at codon 45 of the TBX6 protein (p.Lys45Glu). This variant is present in population databases (rs775804406, gnomAD 0.01%). This variant has not been reported in the literature in individuals affected with TBX6-related conditions. An algorithm developed to predict the effect of missense changes on protein structure and function (PolyPhen-2) suggests that this variant is likely to be disruptive. In summary, the available evidence is currently insufficient to determine the role of this variant in disease. Therefore, it has been classified as a Variant of Uncertain Significance.